The following is an entry in ClinVar:

ClinVar aggregate classification (germline): Conflicting classifications of pathogenicity. Review status: criteria provided, conflicting classifications (1 of 4 stars). 4 submissions from 4 submitters: Uncertain significance (3); Likely benign (1). Last evaluated 2022-08-19.

Conditions:
Inborn genetic diseases. Identifiers: MedGen C0950123, MeSH D030342.
COG8-congenital disorder of glycosylation. Also called: CDG IIh; COG8-CDG. Identifiers: Orphanet 95428, MedGen C1970021, MONDO:0012635, OMIM 611182.

Allele frequency attached by ClinVar (database versions not stated): gnomAD 0.00005; TOPMed 0.00006; ExAC 0.00007; gnomAD exomes 0.00007 and 0.00008.

Submissions (4):

Labcorp Genetics (formerly Invitae), Labcorp
Classification: Uncertain significance for COG8-congenital disorder of glycosylation. Last evaluated: 2022-08-19. Review status: criteria provided, single submitter. Criteria: Invitae Variant Classification Sherloc (09022015). Collection method: clinical testing. Allele origin: germline.
Comment: This variant is present in population databases (rs757877420, gnomAD 0.03%). This sequence change replaces arginine, which is basic and polar, with tryptophan, which is neutral and slightly polar, at codon 336 of the COG8 protein (p.Arg336Trp). This variant has not been reported in the literature in individuals affected with COG8-related conditions. In summary, the available evidence is currently insufficient to determine the role of this variant in disease. Therefore, it has been classified as a Variant of Uncertain Significance. Algorithms developed to predict the effect of missense changes on protein structure and function are either unavailable or do not agree on the potential impact of this missense change (SIFT: "Deleterious"; PolyPhen-2: "Possibly Damaging"; Align-GVGD: "Class C0"). ClinVar contains an entry for this variant (Variation ID: 286530).

Ambry Genetics
Classification: Likely benign for Inborn genetic diseases. Last evaluated: 2022-04-07. Review status: criteria provided, single submitter. Criteria: Ambry Variant Classification Scheme 2023. Collection method: clinical testing. Allele origin: germline.

Illumina Laboratory Services, Illumina
Classification: Uncertain significance for COG8-congenital disorder of glycosylation. Last evaluated: 2018-01-12. Review status: criteria provided, single submitter. Criteria: ICSL Variant Classification Criteria 13 December 2019. Collection method: clinical testing. Allele origin: germline.

Eurofins Ntd Llc (ga)
Classification: Uncertain significance. Last evaluated: 2016-03-10. Review status: criteria provided, single submitter. Criteria: EGL Classification Definitions 2015. Collection method: clinical testing. Allele origin: germline. Observed: 1 variant allele, 1 heterozygote.

NM_032382.5(COG8):c.1006C>T (p.Arg336Trp)

Gene: COG8 (component of oligomeric golgi complex 8; minus strand). Cytogenetic location: 16q22.1.
Variant type: single nucleotide variant.
Coding change: c.1006C>T on transcript NM_032382.5 (MANE Select); coding-DNA position 1006, C replaced by T.
Protein change: p.Arg336Trp; replaces arginine 336 with tryptophan.
Molecular consequence: missense variant.
Genome position (GRCh38, 1-based): chr16:69,334,928, G>A on the plus strand (C>T on the coding strand, the complement: COG8 is on the minus strand). VCF-style: chr16-69334928-G-A. GRCh37 (hg19) VCF-style: chr16-69368831-G-A.
Other names: c.1006C>T, p.Arg336Trp (NM_001374871.1, NM_001379261.1, NM_001379262.1 and 4 more transcripts); short protein forms R336W.
Identifiers: ClinVar variation 286530 (VCV000286530.18), dbSNP rs757877420, ClinGen allele CA8133807.